The following is an entry in ClinVar:

ClinVar aggregate classification (germline): Uncertain significance (1 of 4 stars; one submission).

Conditions:
Inborn genetic diseases. Identifiers: MedGen C0950123, MeSH D030342.

Submission:

Ambry Genetics
Classification: Uncertain significance for Inborn genetic diseases. Last evaluated: 2026-07-22. Review status: criteria provided, single submitter. Criteria: Ambry Variant Classification Scheme 2023. Collection method: clinical testing. Allele origin: germline.
Comment: The p.F949C variant (also known as c.2846T>G), located in coding exon 14 of the FANCM gene, results from a T to G substitution at nucleotide position 2846. The phenylalanine at codon 949 is replaced by cysteine, an amino acid with highly dissimilar properties. This amino acid position is conserved. In addition, this alteration is predicted to be tolerated by in silico analysis. Based on the available evidence, the clinical significance of this variant remains unclear.

NM_020937.4(FANCM):c.2846T>G (p.Phe949Cys)

Gene: FANCM (FA complementation group M; plus strand). Cytogenetic location: 14q21.2.
Variant type: single nucleotide variant.
Coding change: c.2846T>G on transcript NM_020937.4 (MANE Select); coding-DNA position 2846, T replaced by G.
Protein change: p.Phe949Cys; replaces phenylalanine 949 with cysteine.
Molecular consequence: missense variant.
Genome position (GRCh38, 1-based): chr14:45,175,600, T>G. VCF-style: chr14-45175600-T-G. GRCh37 (hg19) VCF-style: chr14-45644803-T-G.
Other names: c.2768T>G, p.Phe923Cys (NM_001308133.2); short protein forms F949C, F923C.
Identifiers: ClinVar variation 5036632 (VCV005036632.1).
Genomic context (GRCh38, chr14:45,175,600, plus strand): 5'-TTACAAATAAATCCACTAGTTCACTTGCTGGAAATGTTTTAGATTCTGGTTATAACAGTT[T>G]CAATGATGAAAAATCTGTTTCATCTAACTTATTTCTTCCATTCGAAGAAGAGCTTTATAT-3'
Protein context (NP_065988.1, residues 939-959): GNVLDSGYNS[Phe949Cys]NDEKSVSSNL